The following is an entry in ClinVar:

NM_000071.3(CBS):c.443G>A (p.Gly148Glu)

Gene: CBS (cystathionine beta-synthase; minus strand). Cytogenetic location: 21q22.3.
Variant type: single nucleotide variant.
Coding change: c.443G>A on transcript NM_000071.3 (MANE Select); coding-DNA position 443, G replaced by A.
Protein change: p.Gly148Glu; replaces glycine 148 with glutamic acid.
Molecular consequence: missense variant.
Genome position (GRCh38, 1-based): chr21:43,066,251, C>T on the plus strand (G>A on the coding strand, the complement: CBS is on the minus strand). VCF-style: chr21-43066251-C-T. GRCh37 (hg19) VCF-style: chr21-44486361-C-T.
Other names: c.443G>A, p.Gly148Glu (NM_001178008.3, NM_001178009.3, NM_001320298.2); c.128G>A, p.Gly43Glu (NM_001321072.1); short protein forms G148E, G43E.
Identifiers: ClinVar variation 4803220 (VCV004803220.1).

ClinVar aggregate classification (germline): Likely pathogenic (1 of 4 stars; one submission).

Conditions:
HYPERHOMOCYSTEINEMIA, THROMBOTIC, CBS-RELATED. Identifiers: MedGen C3150344, OMIM 236200.

Submission:

Labcorp Genetics (formerly Invitae), Labcorp
Classification: Likely pathogenic for HYPERHOMOCYSTEINEMIA, THROMBOTIC, CBS-RELATED. Last evaluated: 2025-05-22. Review status: criteria provided, single submitter. Criteria: Invitae Variant Classification Sherloc (09022015). Collection method: clinical testing. Allele origin: germline.
Comment: This sequence change replaces glycine, which is neutral and non-polar, with glutamic acid, which is acidic and polar, at codon 148 of the CBS protein (p.Gly148Glu). This variant is not present in population databases (gnomAD no frequency). This variant has not been reported in the literature in individuals affected with CBS-related conditions. Invitae Evidence Modeling of protein sequence and biophysical properties (such as structural, functional, and spatial information, amino acid conservation, physicochemical variation, residue mobility, and thermodynamic stability) indicates that this missense variant is expected to disrupt CBS protein function with a positive predictive value of 95%. This variant disrupts the p.Gly148 amino acid residue in CBS. Other variant(s) that disrupt this residue have been determined to be pathogenic (PMID: 15146473, 16307898, 16479318, 20694756). This suggests that this residue is clinically significant, and that variants that disrupt this residue are likely to be disease-causing. In summary, the currently available evidence indicates that the variant is pathogenic, but additional data are needed to prove that conclusively. Therefore, this variant has been classified as Likely Pathogenic.

Literature cited by the submitters: PubMed 15146473; PubMed 16307898; PubMed 16479318; PubMed 20694756.